The following is an entry in ClinVar:

NM_013275.6(ANKRD11):c.1367_1370del (p.Lys456fs)

Gene: ANKRD11 (ankyrin repeat domain 11; minus strand). Cytogenetic location: 16q24.3.
Variant type: Deletion.
Coding change: c.1367_1370del on transcript NM_013275.6 (MANE Select); coding-DNA positions 1367 to 1370, 4 bases deleted (AGAA; older notation c.1367_1370delAGAA).
Protein change: p.Lys456fs; shifts the reading frame from lysine 456.
Molecular consequence: frameshift variant.
Genome position (GRCh38, 1-based): chr16:89,285,172-89,285,175, TTCT deleted on the plus strand (AGAA on the coding strand, the reverse complement: ANKRD11 is on the minus strand); deleting any 4 consecutive bases within chr16:89,285,172-89,285,177 gives the same sequence; the c. name uses the placement nearest the transcript's 3' end. VCF-style (leftmost placement, unchanged base first): chr16-89285171-CTTCT-C. GRCh37 (hg19) VCF-style: chr16-89351579-CTTCT-C.
Other names: c.1367_1370delAGAA (NM_013275.4); c.1367_1370del, p.Lys456fs (NM_001256182.2, NM_001256183.2); short protein forms K456fs.
Identifiers: ClinVar variation 2663482 (VCV002663482.2), dbSNP rs2544245277, ClinGen allele CA2695201163.

ClinVar aggregate classification (germline): Pathogenic. Review status: criteria provided, multiple submitters, no conflicts (2 of 4 stars). 2 submissions from 2 submitters: Pathogenic (2). Last evaluated 2025-10-21.

Conditions:
Inborn genetic diseases. Identifiers: MedGen C0950123, MeSH D030342.

Submissions (2):

Ambry Genetics
Classification: Pathogenic for Inborn genetic diseases. Last evaluated: 2025-10-21. Review status: criteria provided, single submitter. Criteria: Ambry Variant Classification Scheme 2023. Collection method: clinical testing. Allele origin: germline.
Comment: The c.1367_1370delAGAA (p.K456Sfs*53) alteration, located in exon 9 (coding exon 7) of the ANKRD11 gene, consists of a deletion of 4 nucleotides from position 1367 to 1370, causing a translational frameshift with a predicted alternate stop codon after 53 amino acids. This alteration is expected to result in loss of function by premature protein truncation or nonsense-mediated mRNA decay. This variant was not reported in population-based cohorts in the Genome Aggregation Database (gnomAD). This variant was reported in individual(s) with features consistent with KBG syndrome; in at least one individual, it was determined to be de novo (Goldenberg, 2016; Martinez-Cayuelas, 2023). Based on the available evidence, this alteration is classified as pathogenic.

GeneDx
Classification: Pathogenic. Last evaluated: 2023-04-27. Review status: criteria provided, single submitter. Criteria: GeneDx Variant Classification Process June 2021. Collection method: clinical testing. Allele origin: germline. Affected: yes.
Comment: Frameshift variant predicted to result in protein truncation or nonsense mediated decay in a gene for which loss of function is a known mechanism of disease; Not observed at significant frequency in large population cohorts (gnomAD); This variant is associated with the following publications: (PMID: 27605097)

Literature cited by the submitters: PubMed 27605097 (cited by Ambry Genetics); PubMed 36446582 (cited by Ambry Genetics).